The following is an entry in ClinVar:

ClinVar aggregate classification (germline): Uncertain significance. Review status: criteria provided, multiple submitters, no conflicts (2 of 4 stars). 4 submissions from 4 submitters: Uncertain significance (4). Last evaluated 2026-05-12.

Conditions:
Ehlers-Danlos syndrome, classic type, 1 (EDSCL1). Also called: EHLERS-DANLOS SYNDROME, GRAVIS TYPE; EHLERS-DANLOS SYNDROME, SEVERE CLASSIC TYPE; EDS I; Ehlers-Danlos Syndrome, Classic Type, COL5A1-Related; Ehlers-Danlos syndrome, type 1. Identifiers: MedGen C0268335, MONDO:0019567, OMIM 130000.
Osteogenesis imperfecta type I (OI1). Also called: OI, TYPE I; OSTEOGENESIS IMPERFECTA TARDA; OSTEOGENESIS IMPERFECTA WITH BLUE SCLERAE; Classic Non-deforming Osteogenesis Imperfecta with Blue Sclerae; Lobstein disease; Osteogenesis imperfecta type 1. Identifiers: Orphanet 216796, Orphanet 666, MedGen C0023931, MONDO:0008146, OMIM 166200. Disease mechanism: loss of function.
Cardiovascular phenotype. Identifiers: MedGen CN230736.

Allele frequency attached by ClinVar (database versions not stated): gnomAD 0.00003 and 0.00004; gnomAD exomes 0.00001; TOPMed 0.00004.

Submissions (4):

Women's Health and Genetics/Laboratory Corporation of America, LabCorp
Classification: Uncertain significance. Last evaluated: 2026-05-12. Review status: criteria provided, single submitter. Criteria: LabCorp Variant Classification Summary - May 2015. Collection method: clinical testing. Allele origin: germline.
Comment: Variant summary: COL1A2 c.3473A>C (p.Asn1158Thr) results in a non-conservative amino acid change in the encoded protein sequence. Algorithms developed to predict the effect of missense changes on protein structure and function all suggest that this variant is likely to be disruptive. The variant allele was found at a frequency of 8e-06 in 250782 control chromosomes. The available data on variant occurrences in the general population are insufficient to allow any conclusion about variant significance. To our knowledge, no occurrence of c.3473A>C in individuals affected with COL1A2-related conditions and no experimental evidence demonstrating its impact on protein function have been reported. ClinVar contains an entry for this variant (Variation ID: 429311). Based on the evidence outlined above, the variant was classified as uncertain significance.

Labcorp Genetics (formerly Invitae), Labcorp
Classification: Uncertain significance for Osteogenesis imperfecta type I; Ehlers-Danlos syndrome, classic type, 1. Last evaluated: 2025-05-19. Review status: criteria provided, single submitter. Criteria: Invitae Variant Classification Sherloc (09022015). Collection method: clinical testing. Allele origin: germline.
Comment: This sequence change replaces asparagine, which is neutral and polar, with threonine, which is neutral and polar, at codon 1158 of the COL1A2 protein (p.Asn1158Thr). This variant is present in population databases (no rsID available, gnomAD 0.004%). This missense change has been observed in individual(s) with clinical features of osteogenesis imperfecta (internal data). ClinVar contains an entry for this variant (Variation ID: 429311). Invitae Evidence Modeling of protein sequence and biophysical properties (such as structural, functional, and spatial information, amino acid conservation, physicochemical variation, residue mobility, and thermodynamic stability) has been performed for this missense variant. However, the output from this modeling did not meet the statistical confidence thresholds required to predict the impact of this variant on COL1A2 protein function. In summary, the available evidence is currently insufficient to determine the role of this variant in disease. Therefore, it has been classified as a Variant of Uncertain Significance.

Ambry Genetics
Classification: Uncertain significance for Cardiovascular phenotype. Last evaluated: 2024-09-19. Review status: criteria provided, single submitter. Criteria: Ambry Variant Classification Scheme 2023. Collection method: clinical testing. Allele origin: germline.
Comment: The p.N1158T variant (also known as c.3473A>C), located in coding exon 49 of the COL1A2 gene, results from an A to C substitution at nucleotide position 3473. The asparagine at codon 1158 is replaced by threonine, an amino acid with similar properties. This amino acid position is highly conserved in available vertebrate species. In addition, the in silico prediction for this alteration is inconclusive. Based on the available evidence, the clinical significance of this variant remains unclear.

GeneDx
Classification: Uncertain significance. Last evaluated: 2019-01-31. Review status: criteria provided, single submitter. Criteria: GeneDx Variant Classification Process June 2021. Collection method: clinical testing. Allele origin: germline. Affected: yes.
Comment: In silico analysis, which includes protein predictors and evolutionary conservation, supports a deleterious effect; Has not been previously published as pathogenic or benign to our knowledge

NM_000089.4(COL1A2):c.3473A>C (p.Asn1158Thr)

Gene: COL1A2 (collagen type I alpha 2 chain; plus strand). Cytogenetic location: 7q21.3.
Variant type: single nucleotide variant.
Coding change: c.3473A>C on transcript NM_000089.4 (MANE Select); coding-DNA position 3473, A replaced by C.
Protein change: p.Asn1158Thr; replaces asparagine 1158 with threonine.
Molecular consequence: missense variant.
Genome position (GRCh38, 1-based): chr7:94,427,832, A>C. VCF-style: chr7-94427832-A-C. GRCh37 (hg19) VCF-style: chr7-94057144-A-C.
Other names: short protein forms N1158T.
Identifiers: ClinVar variation 429311 (VCV000429311.11), dbSNP rs1034555044, ClinGen allele CA162941259.
Genomic context (GRCh38, chr7:94,427,832, plus strand): 5'-CTCTGAAGTCTCTCAACAACCAGATTGAGACCCTTCTTACTCCTGAAGGCTCTAGAAAGA[A>C]CCCAGCTCGCACATGCCGTGACTTGAGACTCAGCCACCCAGAGTGGAGCAGTGGTAGGTC-3'
Protein context (NP_000080.2, residues 1148-1168): TLLTPEGSRK[Asn1158Thr]PARTCRDLRL